The following is an entry in ClinVar:

ClinVar aggregate classification (germline): Uncertain significance (1 of 4 stars; one submission).

Submission:

Labcorp Genetics (formerly Invitae), Labcorp
Classification: Uncertain significance. Last evaluated: 2024-05-09. Review status: criteria provided, single submitter. Criteria: Invitae Variant Classification Sherloc (09022015). Collection method: clinical testing. Allele origin: germline.
Comment: This sequence change replaces threonine, which is neutral and polar, with alanine, which is neutral and non-polar, at codon 496 of the TWNK protein (p.Thr496Ala). This variant is not present in population databases (gnomAD no frequency). This variant has not been reported in the literature in individuals affected with TWNK-related conditions. An algorithm developed to predict the effect of missense changes on protein structure and function (PolyPhen-2) suggests that this variant is likely to be tolerated. In summary, the available evidence is currently insufficient to determine the role of this variant in disease. Therefore, it has been classified as a Variant of Uncertain Significance.

NM_021830.5(TWNK):c.1486A>G (p.Thr496Ala)

Gene: TWNK (twinkle mtDNA helicase; plus strand). Cytogenetic location: 10q24.31.
Variant type: single nucleotide variant.
Coding change: c.1486A>G on transcript NM_021830.5 (MANE Select); coding-DNA position 1486, A replaced by G.
Protein change: p.Thr496Ala; replaces threonine 496 with alanine.
Molecular consequence: missense variant. On other transcripts: non-coding transcript variant (5).
Genome position (GRCh38, 1-based): chr10:100,990,437, A>G. VCF-style: chr10-100990437-A-G. GRCh37 (hg19) VCF-style: chr10-102750194-A-G.
Other names: c.1486A>G, p.Thr496Ala (NM_001163812.2); c.124A>G, p.Thr42Ala (NM_001163813.2, NM_001163814.2, NM_001368275.1); short protein forms T42A, T496A.
Identifiers: ClinVar variation 3652808 (VCV003652808.2).
Genomic context (GRCh38, chr10:100,990,437, plus strand): 5'-CTTCTGCCTGGGGTGGTCTAGAGACAACTTGTCAAATTCCTTGCCTTTCCTCTTCCCAGG[A>G]CTGTAATAGATACAATGCAACATGCAGTCTACGTCTATGACATTTGTCATGTGATCATCG-3'
Protein context (NP_068602.2, residues 486-506): MTFHGQQSIR[Thr496Ala]VIDTMQHAVY